The following is an entry in ClinVar:

ClinVar aggregate classification (germline): Benign. Review status: criteria provided, multiple submitters, no conflicts (2 of 4 stars). 8 submissions from 8 submitters: Benign (8). Last evaluated 2026-02-04.

Conditions:
Kindler syndrome (KNDLRS). Also called: Hereditary acrokeratotic poikiloderma of Weary; Poikiloderma of Kindler; Congenital bullous poikiloderma; Kindler's syndrome; POIKILODERMA, CONGENITAL, WITH BULLAE, WEARY TYPE; POIKILODERMA, HEREDITARY ACROKERATOTIC. Identifiers: Orphanet 2908, Orphanet 306539, MedGen C0406557, MONDO:0008260, OMIM 173650.

Allele frequency attached by ClinVar (database versions not stated): gnomAD 0.39838 and 0.40355; TOPMed 0.40651; ESP Exome Variant Server 0.40704; 1000 Genomes Project 30x 0.41896; 1000 Genomes Project 0.41933; gnomAD exomes 0.42627 and 0.42698; ExAC 0.44890.
gnomAD v4.1: 681,977 of 1,605,506 alleles (42%); highest among the groups gnomAD compares: South Asian, 58%; 147,737 homozygotes.

Submissions (8):

Labcorp Genetics (formerly Invitae), Labcorp
Classification: Benign. Last evaluated: 2026-02-04. Review status: criteria provided, single submitter. Criteria: Invitae Variant Classification Sherloc (09022015). Collection method: clinical testing. Allele origin: germline.

Unidad de Genómica Garrahan, Hospital de Pediatría Garrahan
Classification: Benign. Last evaluated: 2024-01-24. Review status: criteria provided, single submitter. Criteria: ACMG Guidelines, 2015. Collection method: clinical testing. Allele origin: germline. Affected: no. Observed: 60 variant alleles.
Comment: This variant is classified as Benign based on local population frequency. This variant was detected in 68% of patients studied by a panel of primary immunodeficiencies. Number of patients: 60. Only high quality variants are reported.

Mayo Clinic Laboratories, Mayo Clinic
Classification: Benign. Last evaluated: 2022-09-06. Review status: criteria provided, single submitter. Criteria: ACMG Guidelines, 2015. Collection method: clinical testing. Allele origin: germline. Observed: 77 variant alleles.

GeneDx
Classification: Benign. Last evaluated: 2021-10-27. Review status: criteria provided, single submitter. Criteria: GeneDx Variant Classification Process June 2021. Collection method: clinical testing. Allele origin: germline. Affected: yes.

Genome-Nilou Lab
Classification: Benign for Kindler syndrome. Last evaluated: 2021-08-10. Review status: criteria provided, single submitter. Criteria: ACMG Guidelines, 2015. Collection method: clinical testing. Allele origin: germline. Affected: no.

Illumina Laboratory Services, Illumina
Classification: Benign for Kindler syndrome. Last evaluated: 2018-01-13. Review status: criteria provided, single submitter. Criteria: ICSL Variant Classification Criteria 13 December 2019. Collection method: clinical testing. Allele origin: germline.
Comment: This variant was observed in the ICSL laboratory as part of a predisposition screen in an ostensibly healthy population. It had not been previously curated by ICSL or reported in the Human Gene Mutation Database (HGMD: prior to June 1st, 2018), and was therefore a candidate for classification through an automated scoring system. Utilizing variant allele frequency, disease prevalence and penetrance estimates, and inheritance mode, an automated score was calculated to assess if this variant is too frequent to cause the disease. Based on the score and internal cut-off values, a variant classified as benign is not then subjected to further curation. The score for this variant resulted in a classification of benign for this disease.

Breakthrough Genomics
Classification: Benign. Review status: criteria provided, single submitter. Criteria: ACMG Guidelines, 2015. Collection method: not provided. Allele origin: germline. Inheritance: Autosomal recessive inheritance. Affected: yes.

PreventionGenetics, part of Exact Sciences
Classification: Benign. Review status: criteria provided, single submitter. Criteria: ACMG Guidelines, 2015. Collection method: clinical testing. Allele origin: germline.

NM_017671.5(FERMT1):c.152-4G>A

Gene: FERMT1 (FERM domain containing kindlin 1; minus strand). Cytogenetic location: 20p12.3.
Variant type: single nucleotide variant.
Coding change: c.152-4G>A on transcript NM_017671.5 (MANE Select); 4 bases into the intron before coding-DNA position 152, G replaced by A.
Molecular consequence: intron variant.
Genome position (GRCh38, 1-based): chr20:6,116,048, C>T on the plus strand (G>A on the coding strand, the complement: FERMT1 is on the minus strand). VCF-style: chr20-6116048-C-T. GRCh37 (hg19) VCF-style: chr20-6096695-C-T.
Other names: p.?.
Identifiers: ClinVar variation 260865 (VCV000260865.21), dbSNP rs2295435, ClinGen allele CA9758522.
Genomic context (GRCh38, chr20:6,116,048, plus strand): 5'-GCCAGCAATGCTTCTGTTCCCACCAAAGAGCAAAGTCTGACCAGTCTTGGGATATATCTG[C>T]AAAAATGAAAGCACAATTAAGTAAAATGAGAGAGGGCCCAGCTTGGAGGGTCCTGGAGCT-3'